The following is an entry in ClinVar:

ClinVar aggregate classification (germline): Uncertain significance. Review status: criteria provided, multiple submitters, no conflicts (2 of 4 stars). 2 submissions from 2 submitters: Uncertain significance (2). Last evaluated 2024-01-04.

Conditions:
Inborn genetic diseases. Identifiers: MedGen C0950123, MeSH D030342.

Allele frequency attached by ClinVar (database versions not stated): gnomAD 0.00001.

Submissions (2):

Ambry Genetics
Classification: Uncertain significance for Inborn genetic diseases. Last evaluated: 2024-01-04. Review status: criteria provided, single submitter. Criteria: Ambry Variant Classification Scheme 2023. Collection method: clinical testing. Allele origin: germline.

Labcorp Genetics (formerly Invitae), Labcorp
Classification: Uncertain significance. Last evaluated: 2022-08-01. Review status: criteria provided, single submitter. Criteria: Invitae Variant Classification Sherloc (09022015). Collection method: clinical testing. Allele origin: germline.
Comment: This sequence change replaces arginine, which is basic and polar, with tryptophan, which is neutral and slightly polar, at codon 134 of the PTPN23 protein (p.Arg134Trp). This variant is present in population databases (rs751167452, gnomAD 0.007%). This variant has not been reported in the literature in individuals affected with PTPN23-related conditions. Algorithms developed to predict the effect of missense changes on protein structure and function are either unavailable or do not agree on the potential impact of this missense change (SIFT: "Deleterious"; PolyPhen-2: "Not Available"; Align-GVGD: "Class C15"). In summary, the available evidence is currently insufficient to determine the role of this variant in disease. Therefore, it has been classified as a Variant of Uncertain Significance.

NM_015466.4(PTPN23):c.400C>T (p.Arg134Trp)

Gene: PTPN23 (protein tyrosine phosphatase non-receptor type 23; plus strand). Cytogenetic location: 3p21.31.
Variant type: single nucleotide variant.
Coding change: c.400C>T on transcript NM_015466.4 (MANE Select); coding-DNA position 400, C replaced by T.
Protein change: p.Arg134Trp; replaces arginine 134 with tryptophan.
Molecular consequence: missense variant.
Genome position (GRCh38, 1-based): chr3:47,405,784, C>T. VCF-style: chr3-47405784-C-T. GRCh37 (hg19) VCF-style: chr3-47447274-C-T.
Other names: c.22C>T, p.Arg8Trp (NM_001304482.2); c.400C>T (NM_015466.2); short protein forms R134W, R8W.
Identifiers: ClinVar variation 1910162 (VCV001910162.3), dbSNP rs751167452, ClinGen allele CA2365305.